The following is an entry in ClinVar:

ClinVar aggregate classification (germline): Conflicting classifications of pathogenicity. Review status: criteria provided, conflicting classifications (1 of 4 stars). 4 submissions from 4 submitters: Uncertain significance (1); Benign (1); Likely benign (2). Last evaluated 2025-12-07.

Conditions:
BRCA1-related disorder. Also called: BRCA1-related condition.
Hereditary cancer-predisposing syndrome. Also called: Tumor predisposition; Hereditary neoplastic syndrome; Neoplastic Syndromes, Hereditary; Hereditary Cancer Syndrome. Identifiers: Orphanet 140162, MedGen C0027672, MeSH D009386, MONDO:0015356.
Hereditary breast ovarian cancer syndrome. Also called: Breast and ovarian cancer; Hereditary breast and ovarian cancer syndrome; Hereditary breast and ovarian cancer syndrome (HBOC); Hereditary breast and ovarian cancer; Hereditary breast and/or ovarian cancer syndrome; BRCA1- and BRCA2-Associated Hereditary Breast and Ovarian Cancer. Identifiers: Orphanet 145, MedGen C0677776, MeSH D061325, MONDO:0003582. Disease mechanism: loss of function.

Submissions (4):

PreventionGenetics, part of Exact Sciences
Classification: Likely benign for BRCA1-related condition. Last evaluated: 2025-12-07. Review status: criteria provided, single submitter. Criteria: ACMG Guidelines, 2015. Collection method: clinical testing. Allele origin: germline.
Comment: This variant is classified as likely benign based on ACMG/AMP sequence variant interpretation guidelines (Richards et al. 2015 PMID: 25741868, with internal and published modifications).

Labcorp Genetics (formerly Invitae), Labcorp
Classification: Benign for Hereditary breast ovarian cancer syndrome. Last evaluated: 2025-09-08. Review status: criteria provided, single submitter. Criteria: Invitae Variant Classification Sherloc (09022015). Collection method: clinical testing. Allele origin: germline.

Women's Health and Genetics/Laboratory Corporation of America, LabCorp
Classification: Uncertain significance. Last evaluated: 2018-12-14. Review status: criteria provided, single submitter. Criteria: LabCorp Variant Classification Summary - May 2015. Collection method: clinical testing. Allele origin: germline.
Comment: Variant summary: The variant, BRCA1 c.441+6dupA alters a non-conserved nucleotide located close to a canonical splice site and therefore could affect mRNA splicing, leading to a significantly altered protein sequence. 5/5 computational tools predict no significant impact on normal splicing. However, these predictions have yet to be confirmed by functional studies. The variant was absent in 244120 control chromosomes (gnomAD). The available data on variant occurrences in the general population are insufficient to allow any conclusion about variant significance. To our knowledge, no occurrence of c.441+6dupA in individuals affected with Hereditary Breast and Ovarian Cancer and no experimental evidence demonstrating its impact on protein function have been reported. Two clinical diagnostic laboratories have submitted clinical-significance assessments for this variant to ClinVar after 2014 without evidence for independent evaluation. All laboratories classified the variant as benign/likely benign. Based on the evidence outlined above, the variant was classified as uncertain significance.

Color Diagnostics, LLC DBA Color Health
Classification: Likely benign for Hereditary cancer-predisposing syndrome. Last evaluated: 2017-11-12. Review status: criteria provided, single submitter. Criteria: ACMG Guidelines, 2015. Collection method: clinical testing. Allele origin: germline.

NM_007294.4(BRCA1):c.441+6dup

Gene: BRCA1 (BRCA1 DNA repair associated; minus strand). Cytogenetic location: 17q21.31.
Variant type: Duplication.
Coding change: c.441+6dup on transcript NM_007294.4 (MANE Select); 6 bases into the intron after coding-DNA position 441, one base duplicated (A; older notation c.441+6dupA).
Molecular consequence: intron variant.
Genome position (GRCh38, 1-based): chr17:43,104,116, T duplicated on the plus strand (A on the coding strand, the reverse complement: BRCA1 is on the minus strand); the first of 4 consecutive T bases (chr17:43,104,116-43,104,119); duplicating any one gives the same sequence. VCF-style (leftmost placement, unchanged base first): chr17-43104115-G-GT. GRCh37 (hg19) VCF-style: chr17-41256132-G-GT.
Other names: c.300+6dup (NM_001408458.1, NM_001407931.1, NM_001407747.1 and 99 more transcripts); c.-218-9256dup (NM_001407967.1, NM_001407966.1); c.60+6dup (NM_001407959.1, NM_001407962.1, NM_001408512.1 and 4 more transcripts); c.231+6dup (NM_001407885.1, NM_001407886.1, NM_001407898.1 and 58 more transcripts); c.441+6dup (NM_001407686.1, NM_001408397.1, NM_001407632.1 and 165 more transcripts); c.309+6dup (NM_001408451.1); c.363+6dup (NM_001408475.1, NM_001407875.1, NM_001407659.1 and 21 more transcripts); c.432+6dup (NM_001408408.1, NM_001407647.1, NM_001407646.1); and 1 more.
Identifiers: ClinVar variation 462649 (VCV000462649.17), dbSNP rs1060504561, ClinGen allele CA658656656.